The following is an entry in ClinVar:

ClinVar aggregate classification (germline): Benign/Likely benign. Review status: criteria provided, multiple submitters, no conflicts (2 of 4 stars). 2 submissions from 2 submitters: Benign (1); Likely benign (1). Last evaluated 2024-11-06.

Conditions:
Renal cell carcinoma. Identifiers: Orphanet 217071, MedGen C0007134, MeSH D002292, MONDO:0005086, HP:0005584.
Papillary renal cell carcinoma type 1 (RCCP1). Also called: RENAL CELL CARCINOMA, PAPILLARY, 1, SOMATIC; Renal adenocarcinoma; Renal cell carcinoma 1; Renal cell carcinoma, somatic. Identifiers: Orphanet 47044, MedGen C1336839, OMIM 605074, HP:0011797.

Submissions (2):

Myriad Genetics, Inc.
Classification: Benign for Papillary renal cell carcinoma type 1. Last evaluated: 2024-11-06. Review status: criteria provided, single submitter. Criteria: Myriad Autosomal Dominant, Autosomal Recessive and X-Linked Classification Criteria (2023). Collection method: clinical testing. Allele origin: unknown.
Comment: This variant is considered benign. This variant is a silent/synonymous amino acid change and it is not expected to impact splicing.

Labcorp Genetics (formerly Invitae), Labcorp
Classification: Likely benign for Renal cell carcinoma. Last evaluated: 2022-02-20. Review status: criteria provided, single submitter. Criteria: Invitae Variant Classification Sherloc (09022015). Collection method: clinical testing. Allele origin: germline.

NM_000245.4(MET):c.618C>T (p.Phe206=)

Gene: MET (MET proto-oncogene, receptor tyrosine kinase; plus strand). Cytogenetic location: 7q31.2.
Variant type: single nucleotide variant.
Coding change: c.618C>T on transcript NM_000245.4 (MANE Select); coding-DNA position 618, C replaced by T.
Protein change: p.Phe206=; no amino-acid change (phenylalanine 206 retained).
Molecular consequence: synonymous variant. On other transcripts: intron variant (1).
Genome position (GRCh38, 1-based): chr7:116,699,702, C>T. VCF-style: chr7-116699702-C-T. GRCh37 (hg19) VCF-style: chr7-116339756-C-T.
Other names: c.618C>T, p.Phe206= (NM_001127500.3, NM_001324401.3); c.-91+27125C>T (NM_001324402.2).
Identifiers: ClinVar variation 1597504 (VCV001597504.9), dbSNP rs2116593426, ClinGen allele CA457447803.
Genomic context (GRCh38, chr7:116,699,702, plus strand): 5'-ATCTGTAAAGGACCGGTTCATCAACTTCTTTGTAGGCAATACCATAAATTCTTCTTATTT[C>T]CCAGATCATCCATTGCATTCGATATCAGTGAGAAGGCTAAAGGAAACGAAAGATGGTTTT-3'
Protein context (NP_000236.2, residues 196-216): FVGNTINSSY[Phe206=]PDHPLHSISV